The following is an entry in ClinVar:

ClinVar aggregate classification (germline): Uncertain significance (1 of 4 stars; one submission).

gnomAD v4.1: 1 of 1,611,492 alleles (0.000062%); no homozygotes.

Submission:

Ambry Genetics
Classification: Uncertain significance. Last evaluated: 2024-05-24. Review status: criteria provided, single submitter. Criteria: Ambry Variant Classification Scheme 2023. Collection method: clinical testing. Allele origin: germline.
Comment: The p.V410G variant (also known as c.1229T>G), located in coding exon 4 of the PALLD gene, results from a T to G substitution at nucleotide position 1229. The valine at codon 410 is replaced by glycine, an amino acid with dissimilar properties. This amino acid position is conserved. In addition, this alteration is predicted to be deleterious by in silico analysis. Based on the available evidence, the clinical significance of this variant remains unclear.

NM_001166108.2(PALLD):c.1229T>G (p.Val410Gly)

Gene: PALLD (palladin, cytoskeletal associated protein; plus strand). Cytogenetic location: 4q32.3.
Variant type: single nucleotide variant.
Coding change: c.1229T>G on transcript NM_001166108.2 (MANE Select); coding-DNA position 1229, T replaced by G.
Protein change: p.Val410Gly; replaces valine 410 with glycine.
Molecular consequence: missense variant.
Genome position (GRCh38, 1-based): chr4:168,683,072, T>G. VCF-style: chr4-168683072-T-G. GRCh37 (hg19) VCF-style: chr4-169604223-T-G.
Other names: c.83T>G, p.Val28Gly (NM_001166109.2); c.1229T>G, p.Val410Gly (NM_016081.4); short protein forms V410G, V28G.
Identifiers: ClinVar variation 3304098 (VCV003304098.1).